The following is an entry in ClinVar:

NM_000814.6(GABRB3):c.1080+1G>A

Gene: GABRB3 (gamma-aminobutyric acid type A receptor subunit beta3; minus strand). Cytogenetic location: 15q12.
Variant type: single nucleotide variant.
Coding change: c.1080+1G>A on transcript NM_000814.6 (MANE Select); the canonical splice donor site of the intron after coding-DNA position 1080, G replaced by A.
Molecular consequence: splice donor variant.
Genome position (GRCh38, 1-based): chr15:26,560,931, C>T on the plus strand (G>A on the coding strand, the complement: GABRB3 is on the minus strand). VCF-style: chr15-26560931-C-T. GRCh37 (hg19) VCF-style: chr15-26806078-C-T.
Other names: c.1080+1G>A (NM_021912.5); c.825+1G>A (NM_001278631.2, NM_001191320.2); c.867+1G>A (NM_001191321.3).
Identifiers: ClinVar variation 4261134 (VCV004261134.2).

ClinVar aggregate classification (germline): Likely pathogenic. Review status: criteria provided, multiple submitters, no conflicts (2 of 4 stars). 2 submissions from 2 submitters: Likely pathogenic (2). Last evaluated 2025-06-27.

Conditions:
Inborn genetic diseases. Identifiers: MedGen C0950123, MeSH D030342.
GABRB3-related disorder. Also called: GABRB3-related condition.

gnomAD v4.1: 1 of 1,613,690 alleles (0.000062%); highest among the groups gnomAD compares: Admixed American, 0.0017%; no homozygotes.

Submissions (2):

Ambry Genetics
Classification: Likely pathogenic for Inborn genetic diseases. Last evaluated: 2025-06-27. Review status: criteria provided, single submitter. Criteria: Ambry Variant Classification Scheme 2023. Collection method: clinical testing. Allele origin: germline.
Comment: The c.1080+1G>A intronic variant results from a G to A substitution one nucleotide after coding exon 8 of the GABRB3 gene. This alteration occurs at the 3' terminus of the GABRB3 gene, is not expected to trigger nonsense-mediated mRNA decay, and only impacts the last 41% of the protein. The exact functional effect of this alteration is unknown; however, a significant portion of the protein is affected (Ambry internal data) Based on data from gnomAD, this allele has an overall frequency of <0.001% (1/251482) total alleles studied. The highest observed frequency was 0.003% (1/34588) of Latino alleles. This nucleotide position is highly conserved in available vertebrate species. In silico splice site analysis predicts that this alteration will weaken the native splice donor site. Based on the available evidence, this alteration is classified as likely pathogenic.

Blueprint Genetics
Classification: Likely pathogenic for GABRB3-related disorders. Last evaluated: 2024-04-15. Review status: criteria provided, single submitter. Criteria: ACMG Guidelines, 2015. Collection method: clinical testing. Allele origin: germline. Affected: yes. Observed: 1 variant allele.